The following is an entry in ClinVar:

ClinVar aggregate classification (germline): Uncertain significance (1 of 4 stars; one submission).

gnomAD v4.1: 16 of 1,614,150 alleles (0.00099%); highest among the groups gnomAD compares: African/African-American, 0.015%; no homozygotes.

Submission:

Labcorp Genetics (formerly Invitae), Labcorp
Classification: Uncertain significance. Last evaluated: 2024-11-05. Review status: criteria provided, single submitter. Criteria: Invitae Variant Classification Sherloc (09022015). Collection method: clinical testing. Allele origin: germline.
Comment: This sequence change replaces leucine, which is neutral and non-polar, with phenylalanine, which is neutral and non-polar, at codon 1073 of the FOCAD protein (p.Leu1073Phe). This variant is present in population databases (rs536216899, gnomAD 0.03%). This variant has not been reported in the literature in individuals affected with FOCAD-related conditions. Experimental studies and prediction algorithms are not available or were not evaluated, and the functional significance of this variant is currently unknown. In summary, the available evidence is currently insufficient to determine the role of this variant in disease. Therefore, it has been classified as a Variant of Uncertain Significance.

NM_001375567.1(FOCAD):c.3219A>C (p.Leu1073Phe)

Gene: FOCAD (focadhesin; plus strand). Cytogenetic location: 9p21.3.
Variant type: single nucleotide variant.
Coding change: c.3219A>C on transcript NM_001375567.1 (MANE Select); coding-DNA position 3219, A replaced by C.
Protein change: p.Leu1073Phe; replaces leucine 1073 with phenylalanine.
Molecular consequence: missense variant.
Genome position (GRCh38, 1-based): chr9:20,929,498, A>C. VCF-style: chr9-20929498-A-C. GRCh37 (hg19) VCF-style: chr9-20929497-A-C.
Other names: c.3114A>C, p.Leu1038Phe (NM_001375570.1, NM_001375568.1); c.3219A>C, p.Leu1073Phe (NM_017794.5); short protein forms L1038F, L1073F.
Identifiers: ClinVar variation 3713457 (VCV003713457.2).
Genomic context (GRCh38, chr9:20,929,498, plus strand): 5'-TTTCATTATCTCTTGCAAAGAGAAGGTTGAGGAAATCCTGAACATGCTGACTGCCAGGTT[A>C]CCTGGGAAACCAAGTGCTGATGAGTCTCAAGCCGTGCAAATCCACATGGGCCTTGCTTTA-3'
Protein context (NP_001362496.1, residues 1063-1083): EEILNMLTAR[Leu1073Phe]PGKPSADESQ